The following is an entry in ClinVar:

ClinVar aggregate classification (germline): Likely benign. Review status: criteria provided, multiple submitters, no conflicts (2 of 4 stars). 2 submissions from 2 submitters: Likely benign (2). Last evaluated 2026-01-01.

gnomAD v4.1: 18 of 1,612,658 alleles (0.0011%); highest among the groups gnomAD compares: Middle Eastern, 0.13%; 1 homozygote.

Submissions (2):

CeGaT Center for Human Genetics Tuebingen
Classification: Likely benign. Last evaluated: 2026-01-01. Review status: criteria provided, single submitter. Criteria: CeGaT Center For Human Genetics Tuebingen Variant Classification Criteria Version 2. Collection method: clinical testing. Allele origin: germline. Affected: yes. Observed: 1 variant allele.
Comment: METTL5: BP4, BP7

Blueprint Genetics
Classification: Likely benign. Last evaluated: 2021-11-04. Review status: criteria provided, single submitter. Criteria: ACMG Guidelines, 2015. Collection method: clinical testing. Allele origin: germline.

NM_014168.4(METTL5):c.333A>G (p.Leu111=)

Gene: METTL5 (methyltransferase 5, N6-adenosine; minus strand). Cytogenetic location: 2q31.1.
Variant type: single nucleotide variant.
Coding change: c.333A>G on transcript NM_014168.4 (MANE Select); coding-DNA position 333, A replaced by G.
Protein change: p.Leu111=; no amino-acid change (leucine 111 retained).
Molecular consequence: synonymous variant.
Genome position (GRCh38, 1-based): chr2:169,821,165, T>C on the plus strand (A>G on the coding strand, the complement: METTL5 is on the minus strand). VCF-style: chr2-169821165-T-C. GRCh37 (hg19) VCF-style: chr2-170677675-T-C.
Other names: c.333A>G, p.Leu111= (NM_001293186.2, NM_001293187.2).
Identifiers: ClinVar variation 4821645 (VCV004821645.5).